The following is an entry in ClinVar:

NM_025137.4(SPG11):c.667+1G>A

Gene: SPG11 (SPG11 vesicle trafficking associated, spatacsin; minus strand). Cytogenetic location: 15q21.1.
Variant type: single nucleotide variant.
Coding change: c.667+1G>A on transcript NM_025137.4 (MANE Select); the canonical splice donor site of the intron after coding-DNA position 667, G replaced by A.
Molecular consequence: splice donor variant.
Genome position (GRCh38, 1-based): chr15:44,659,078, C>T on the plus strand (G>A on the coding strand, the complement: SPG11 is on the minus strand). VCF-style: chr15-44659078-C-T. GRCh37 (hg19) VCF-style: chr15-44951276-C-T.
Other names: c.667+1G>A (NM_001411132.1, NM_001160227.2).
Identifiers: ClinVar variation 2023056 (VCV002023056.4), dbSNP rs1435037360, ClinGen allele CA392237562.

ClinVar aggregate classification (germline): Likely pathogenic (1 of 4 stars; one submission).

Conditions:
Hereditary spastic paraplegia 11. Also called: Spastic Paraplegia 11; Spastic paraplegia, mental retardation and thin corpus callosum; Nakamura Osame syndrome; Autosomal recessive hereditary spastic paraplegia, mental impairment, and thin corpus callosum; SPASTIC PARAPLEGIA, AUTOSOMAL RECESSIVE, COMPLICATED, WITH THIN CORPUS CALLOSUM; SPASTIC PARAPLEGIA, AUTOSOMAL RECESSIVE, WITH MENTAL IMPAIRMENT AND THIN CORPUS CALLOSUM. Identifiers: Orphanet 2822, MedGen C1858479, MONDO:0011445, OMIM 604360.

Submission:

Labcorp Genetics (formerly Invitae), Labcorp
Classification: Likely pathogenic for Hereditary spastic paraplegia 11. Last evaluated: 2024-12-02. Review status: criteria provided, single submitter. Criteria: Invitae Variant Classification Sherloc (09022015). Collection method: clinical testing. Allele origin: germline.
Comment: This sequence change affects a donor splice site in intron 3 of the SPG11 gene. It is expected to disrupt RNA splicing. Variants that disrupt the donor or acceptor splice site typically lead to a loss of protein function (PMID: 16199547), and loss-of-function variants in SPG11 are known to be pathogenic (PMID: 19105190, 20110243, 22154821, 26556829). This variant is not present in population databases (gnomAD no frequency). This variant has not been reported in the literature in individuals affected with SPG11-related conditions. ClinVar contains an entry for this variant (Variation ID: 2023056). In summary, the currently available evidence indicates that the variant is pathogenic, but additional data are needed to prove that conclusively. Therefore, this variant has been classified as Likely Pathogenic.

Literature cited by the submitters: PubMed 16199547; PubMed 19105190; PubMed 20110243; PubMed 22154821; PubMed 26556829.